The following is an entry in ClinVar:

NM_001538.4(HSF4):c.-125C>T

Genes: HSF4 (heat shock transcription factor 4; plus strand), LOC125177334 (Sharpr-MPRA regulatory region 11796; plus strand). Cytogenetic location: 16q22.1.
Variant type: single nucleotide variant.
Coding change: c.-125C>T on transcript NM_001538.4; 125 bases upstream of the start codon, C replaced by T.
Molecular consequence: 5 prime UTR variant.
Genome position (GRCh38, 1-based): chr16:67,164,687, C>T. VCF-style: chr16-67164687-C-T. GRCh37 (hg19) VCF-style: chr16-67198590-C-T.
Other names: c.-125C>T (NM_001040667.3).
Identifiers: ClinVar variation 887735 (VCV000887735.6), dbSNP rs2272420, ClinGen allele CA282288438.
Genomic context (GRCh38, chr16:67,164,687, plus strand): 5'-TTTTCTGCCTGCTGGTGCCTCGGCCGCTGTCCGAGCCCCGCCCCGCGGGCTTGCACGTGG[C>T]CCCCGCCTGACCCGGCGCCCCGGGGCGGAGTAGGGCGGAGCGGGCGGCAAACGCAGCACT-3'

ClinVar aggregate classification (germline): Benign (1 of 4 stars; one submission).

Conditions:
Cataract 5 multiple types (CTRCT5). Also called: Lamellar cataract; CATARACT, MARNER TYPE; CATARACT 5, LAMELLAR. Identifiers: Orphanet 91492, MedGen C0266537, MONDO:0007290, OMIM 116800, HP:0007971.

Allele frequency attached by ClinVar (database versions not stated): gnomAD 0.00011 and 0.00009; TOPMed 0.00013; gnomAD exomes 0.00015; 1000 Genomes Project 0.00060; 1000 Genomes Project 30x 0.00094.
gnomAD v4.1: 169 of 1,206,830 alleles (0.014%); highest among the groups gnomAD compares: East Asian, 0.5%; 1 homozygote.

Submission:

Illumina Laboratory Services, Illumina
Classification: Benign for Cataract 5 multiple types. Last evaluated: 2018-01-12. Review status: criteria provided, single submitter. Criteria: ICSL Variant Classification Criteria 13 December 2019. Collection method: clinical testing. Allele origin: germline.
Comment: This variant was observed in the ICSL laboratory as part of a predisposition screen in an ostensibly healthy population. It had not been previously curated by ICSL or reported in the Human Gene Mutation Database (HGMD: prior to June 1st, 2018), and was therefore a candidate for classification through an automated scoring system. Utilizing variant allele frequency, disease prevalence and penetrance estimates, and inheritance mode, an automated score was calculated to assess if this variant is too frequent to cause the disease. Based on the score and internal cut-off values, a variant classified as benign is not then subjected to further curation. The score for this variant resulted in a classification of benign for this disease.